The following is an entry in ClinVar:

NM_052859.4(RFT1):c.464C>G (p.Ala155Gly)

Gene: RFT1 (RFT1 glycolipid translocator homolog; minus strand). Cytogenetic location: 3p21.1.
Variant type: single nucleotide variant.
Coding change: c.464C>G on transcript NM_052859.4 (MANE Select); coding-DNA position 464, C replaced by G.
Protein change: p.Ala155Gly; replaces alanine 155 with glycine.
Molecular consequence: missense variant.
Genome position (GRCh38, 1-based): chr3:53,121,793, G>C on the plus strand (C>G on the coding strand, the complement: RFT1 is on the minus strand). VCF-style: chr3-53121793-G-C. GRCh37 (hg19) VCF-style: chr3-53155809-G-C.
Other names: short protein forms A155G.
Identifiers: ClinVar variation 1307850 (VCV001307850.2), dbSNP rs1441819935, ClinGen allele CA353221437.

ClinVar aggregate classification (germline): Uncertain significance (1 of 4 stars; one submission).

Allele frequency attached by ClinVar (database versions not stated): gnomAD exomes below 0.00001 and 0.00001; gnomAD 0.00001.
gnomAD v4.1: 3 of 1,612,158 alleles (0.00019%); highest among the groups gnomAD compares: Admixed American, 0.005%; no homozygotes.

Submission:

GeneDx
Classification: Uncertain significance. Last evaluated: 2019-08-23. Review status: criteria provided, single submitter. Criteria: GeneDx Variant Classification Process June 2021. Collection method: clinical testing. Allele origin: germline. Affected: yes.
Comment: Not observed at a significant frequency in large population cohorts (Lek et al., 2016); In silico analysis, which includes protein predictors and evolutionary conservation, supports a deleterious effect; Has not been previously published as pathogenic or benign to our knowledge